The following is an entry in ClinVar:

ClinVar aggregate classification (germline): Uncertain significance (1 of 4 stars; one submission).

Conditions:
Hereditary cancer-predisposing syndrome. Also called: Neoplastic Syndromes, Hereditary; Tumor predisposition; Hereditary neoplastic syndrome; Hereditary Cancer Syndrome. Identifiers: Orphanet 140162, MedGen C0027672, MeSH D009386, MONDO:0015356.

Submission:

Ambry Genetics
Classification: Uncertain significance for Hereditary cancer-predisposing syndrome. Last evaluated: 2026-07-07. Review status: criteria provided, single submitter. Criteria: Ambry Variant Classification Scheme 2023. Collection method: clinical testing. Allele origin: germline.
Comment: The p.S1266N variant (also known as c.3797G>A), located in coding exon 26 of the SMARCA4 gene, results from a G to A substitution at nucleotide position 3797. The serine at codon 1266 is replaced by asparagine, an amino acid with highly similar properties. This amino acid position is conserved. In addition, this alteration is predicted to be tolerated by in silico analysis. Based on the available evidence, the clinical significance of this variant remains unclear.

NM_003072.5(SMARCA4):c.3797G>A (p.Ser1266Asn)

Gene: SMARCA4 (SWI/SNF related BAF chromatin remodeling complex subunit ATPase 4; plus strand). Cytogenetic location: 19p13.2.
Variant type: single nucleotide variant.
Coding change: c.3797G>A on transcript NM_003072.5 (MANE Select); coding-DNA position 3797, G replaced by A.
Protein change: p.Ser1266Asn; replaces serine 1266 with asparagine.
Molecular consequence: missense variant. On other transcripts: intron variant (6).
Genome position (GRCh38, 1-based): chr19:11,033,789, G>A. VCF-style: chr19-11033789-G-A. GRCh37 (hg19) VCF-style: chr19-11144465-G-A.
Other names: c.3797G>A, p.Ser1266Asn (NM_001128844.3, NM_001128849.3, NM_001387283.1); c.3774+272G>A (NM_001128847.4, NM_001411150.1, NM_001374457.1 and 3 more transcripts); short protein forms S1266N.
Identifiers: ClinVar variation 5029857 (VCV005029857.1).